The following is an entry in ClinVar:

ClinVar aggregate classification (germline): Uncertain significance (1 of 4 stars; one submission).

gnomAD v4.1: 1 of 1,613,176 alleles (0.000062%); highest among the groups gnomAD compares: Non-Finnish European, 0.000085%; no homozygotes.

Submission:

Labcorp Genetics (formerly Invitae), Labcorp
Classification: Uncertain significance. Last evaluated: 2023-03-16. Review status: criteria provided, single submitter. Criteria: Invitae Variant Classification Sherloc (09022015). Collection method: clinical testing. Allele origin: germline.
Comment: This sequence change replaces valine, which is neutral and non-polar, with isoleucine, which is neutral and non-polar, at codon 97 of the CTNNA1 protein (p.Val97Ile). In summary, the available evidence is currently insufficient to determine the role of this variant in disease. Therefore, it has been classified as a Variant of Uncertain Significance. Advanced modeling of protein sequence and biophysical properties (such as structural, functional, and spatial information, amino acid conservation, physicochemical variation, residue mobility, and thermodynamic stability) performed at Invitae indicates that this missense variant is not expected to disrupt CTNNA1 protein function. This variant has not been reported in the literature in individuals affected with CTNNA1-related conditions. This variant is not present in population databases (gnomAD no frequency).

NM_001903.5(CTNNA1):c.289G>A (p.Val97Ile)

Gene: CTNNA1 (catenin alpha 1; plus strand). Cytogenetic location: 5q31.2.
Variant type: single nucleotide variant.
Coding change: c.289G>A on transcript NM_001903.5 (MANE Select); coding-DNA position 289, G replaced by A.
Protein change: p.Val97Ile; replaces valine 97 with isoleucine.
Molecular consequence: missense variant. On other transcripts: intron variant (2).
Genome position (GRCh38, 1-based): chr5:138,783,360, G>A. VCF-style: chr5-138783360-G-A. GRCh37 (hg19) VCF-style: chr5-138119049-G-A.
Other names: c.289G>A, p.Val97Ile (NM_001290307.3, NM_001323982.2, NM_001323983.1 and 3 more transcripts); c.-6+88G>A (NM_001290310.3); c.-9+1331G>A (NM_001290309.3); short protein forms V97I.
Identifiers: ClinVar variation 2820445 (VCV002820445.3), dbSNP rs2532179645, ClinGen allele CA361477697.